The following is an entry in ClinVar:

ClinVar aggregate classification (germline): Uncertain significance. Review status: criteria provided, multiple submitters, no conflicts (2 of 4 stars). 2 submissions from 2 submitters: Uncertain significance (2). Last evaluated 2024-12-19.

Conditions:
COL4A2-related disorder. Also called: COL4A2-related disorders; COL4A2-related condition.

Allele frequency attached by ClinVar (database versions not stated): gnomAD 0.00001; TOPMed 0.00001; ExAC 0.00002.
gnomAD v4.1: 19 of 1,614,032 alleles (0.0012%); highest among the groups gnomAD compares: Middle Eastern, 0.016%; no homozygotes.

Submissions (2):

PreventionGenetics, part of Exact Sciences
Classification: Uncertain significance for COL4A2-related condition. Last evaluated: 2024-12-19. Review status: criteria provided, single submitter. Criteria: ACMG Guidelines, 2015. Collection method: clinical testing. Allele origin: germline.
Comment: The COL4A2 c.3271G>A variant is predicted to result in the amino acid substitution p.Gly1091Ser. To our knowledge, this variant has not been reported in the literature. This variant is reported in 0.0044% of alleles in individuals of European (Non-Finnish) descent in gnomAD. At this time, the clinical significance of this variant is uncertain due to the absence of conclusive functional and genetic evidence.

Labcorp Genetics (formerly Invitae), Labcorp
Classification: Uncertain significance. Last evaluated: 2022-10-24. Review status: criteria provided, single submitter. Criteria: Invitae Variant Classification Sherloc (09022015). Collection method: clinical testing. Allele origin: germline.
Comment: This sequence change replaces glycine, which is neutral and non-polar, with serine, which is neutral and polar, at codon 1091 of the COL4A2 protein (p.Gly1091Ser). This variant also falls at the last nucleotide of exon 35, which is part of the consensus splice site for this exon. This variant is present in population databases (rs766327197, gnomAD 0.004%). This variant has not been reported in the literature in individuals affected with COL4A2-related conditions. Algorithms developed to predict the effect of missense changes on protein structure and function are either unavailable or do not agree on the potential impact of this missense change (SIFT: "Not Available"; PolyPhen-2: "Probably Damaging"; Align-GVGD: "Not Available"). Variants that disrupt the consensus splice site are a relatively common cause of aberrant splicing (PMID: 17576681, 9536098). Algorithms developed to predict the effect of sequence changes on RNA splicing suggest that this variant may disrupt the consensus splice site. In summary, the available evidence is currently insufficient to determine the role of this variant in disease. Therefore, it has been classified as a Variant of Uncertain Significance.

Literature cited by the submitters: PubMed 17576681 (cited by Labcorp Genetics (formerly Invitae), Labcorp); PubMed 9536098 (cited by Labcorp Genetics (formerly Invitae), Labcorp).

NM_001846.4(COL4A2):c.3271G>A (p.Gly1091Ser)

Gene: COL4A2 (collagen type IV alpha 2 chain; plus strand). Cytogenetic location: 13q34.
Variant type: single nucleotide variant.
Coding change: c.3271G>A on transcript NM_001846.4 (MANE Select); coding-DNA position 3271, G replaced by A.
Protein change: p.Gly1091Ser; replaces glycine 1091 with serine.
Molecular consequence: missense variant.
Genome position (GRCh38, 1-based): chr13:110,489,508, G>A. VCF-style: chr13-110489508-G-A. GRCh37 (hg19) VCF-style: chr13-111141855-G-A.
Other names: c.3271G>A (NM_001846.3); short protein forms G1091S.
Identifiers: ClinVar variation 1943339 (VCV001943339.6), dbSNP rs766327197, ClinGen allele CA7050138.